The following is an entry in ClinVar:

ClinVar aggregate classification (germline): Uncertain significance (1 of 4 stars; one submission).

Conditions:
Cardiovascular phenotype. Identifiers: MedGen CN230736.

Allele frequency attached by ClinVar (database versions not stated): gnomAD 0.00001; gnomAD exomes 0.00001.
gnomAD v4.1: 11 of 1,614,026 alleles (0.00068%); highest among the groups gnomAD compares: Middle Eastern, 0.016%; 1 homozygote.

Submission:

Ambry Genetics
Classification: Uncertain significance for Cardiovascular phenotype. Last evaluated: 2022-09-16. Review status: criteria provided, single submitter. Criteria: Ambry Variant Classification Scheme 2023. Collection method: clinical testing. Allele origin: germline.
Comment: The p.E31A variant (also known as c.92A>C), located in coding exon 2 of the ABCG8 gene, results from an A to C substitution at nucleotide position 92. The glutamic acid at codon 31 is replaced by alanine, an amino acid with dissimilar properties. This amino acid position is conserved. In addition, this alteration is predicted to be deleterious by in silico analysis. Since supporting evidence is limited at this time, the clinical significance of this alteration remains unclear.

NM_022437.3(ABCG8):c.92A>C (p.Glu31Ala)

Gene: ABCG8 (ATP binding cassette subfamily G member 8; plus strand). Cytogenetic location: 2p21.
Variant type: single nucleotide variant.
Coding change: c.92A>C on transcript NM_022437.3 (MANE Select); coding-DNA position 92, A replaced by C.
Protein change: p.Glu31Ala; replaces glutamic acid 31 with alanine.
Molecular consequence: missense variant.
Genome position (GRCh38, 1-based): chr2:43,844,535, A>C. VCF-style: chr2-43844535-A-C. GRCh37 (hg19) VCF-style: chr2-44071674-A-C.
Other names: c.92A>C, p.Glu31Ala (NM_001357321.2); short protein forms E31A.
Identifiers: ClinVar variation 1766468 (VCV001766468.2), dbSNP rs1474416976, ClinGen allele CA346663092.